The following is an entry in ClinVar:

ClinVar aggregate classification (germline): Uncertain significance (1 of 4 stars; one submission).

Conditions:
Mowat-Wilson syndrome (MOWS). Also called: Classic Mowat-Wilson Syndrome. Identifiers: Orphanet 2152, MedGen C1856113, MONDO:0009341, OMIM 235730.

Submission:

Labcorp Genetics (formerly Invitae), Labcorp
Classification: Uncertain significance for Mowat-Wilson syndrome. Last evaluated: 2025-02-06. Review status: criteria provided, single submitter. Criteria: Invitae Variant Classification Sherloc (09022015). Collection method: clinical testing. Allele origin: germline.
Comment: This sequence change replaces asparagine, which is neutral and polar, with lysine, which is basic and polar, at codon 650 of the ZEB2 protein (p.Asn650Lys). This variant is not present in population databases (gnomAD no frequency). This variant has not been reported in the literature in individuals affected with ZEB2-related conditions. Invitae Evidence Modeling of protein sequence and biophysical properties (such as structural, functional, and spatial information, amino acid conservation, physicochemical variation, residue mobility, and thermodynamic stability) indicates that this missense variant is not expected to disrupt ZEB2 protein function with a negative predictive value of 80%. In summary, the available evidence is currently insufficient to determine the role of this variant in disease. Therefore, it has been classified as a Variant of Uncertain Significance.

NM_014795.4(ZEB2):c.1950C>G (p.Asn650Lys)

Gene: ZEB2 (zinc finger E-box binding homeobox 2; minus strand). Cytogenetic location: 2q22.3.
Variant type: single nucleotide variant.
Coding change: c.1950C>G on transcript NM_014795.4 (MANE Select); coding-DNA position 1950, C replaced by G.
Protein change: p.Asn650Lys; replaces asparagine 650 with lysine.
Molecular consequence: missense variant.
Genome position (GRCh38, 1-based): chr2:144,399,237, G>C on the plus strand (C>G on the coding strand, the complement: ZEB2 is on the minus strand). VCF-style: chr2-144399237-G-C. GRCh37 (hg19) VCF-style: chr2-145156804-G-C.
Other names: c.1878C>G, p.Asn626Lys (NM_001171653.2); short protein forms N626K, N650K.
Identifiers: ClinVar variation 4744913 (VCV004744913.1).